The following is an entry in ClinVar:

ClinVar aggregate classification (germline): Uncertain significance (1 of 4 stars; one submission).

Allele frequency attached by ClinVar (database versions not stated): gnomAD exomes below 0.00001.
gnomAD v4.1: 2 of 1,597,674 alleles (0.00013%); highest among the groups gnomAD compares: Non-Finnish European, 0.00017%; no homozygotes.

Submission:

CeGaT Center for Human Genetics Tuebingen
Classification: Uncertain significance. Last evaluated: 2022-04-01. Review status: criteria provided, single submitter. Criteria: CeGaT Center For Human Genetics Tuebingen Variant Classification Criteria Version 2. Collection method: clinical testing. Allele origin: germline. Affected: yes. Observed: 1 variant allele.
Comment: DYNC1I2: PM2

NM_001378.3(DYNC1I2):c.688A>G (p.Thr230Ala)

Gene: DYNC1I2 (dynein cytoplasmic 1 intermediate chain 2; plus strand). Cytogenetic location: 2q31.1.
Variant type: single nucleotide variant.
Coding change: c.688A>G on transcript NM_001378.3 (MANE Select); coding-DNA position 688, A replaced by G.
Protein change: p.Thr230Ala; replaces threonine 230 with alanine.
Molecular consequence: missense variant.
Genome position (GRCh38, 1-based): chr2:171,725,999, A>G. VCF-style: chr2-171725999-A-G. GRCh37 (hg19) VCF-style: chr2-172582509-A-G.
Other names: c.688A>G, p.Thr230Ala (NM_001271785.2); c.664A>G, p.Thr222Ala (NM_001271786.2, NM_001271787.2); c.610A>G, p.Thr204Ala (NM_001271788.2, NM_001271789.2, NM_001271790.2 and 1 more transcripts); c.670A>G, p.Thr224Ala (NM_001320882.2, NM_001320883.2, NM_001378455.1 and 1 more transcripts); short protein forms T204A, T222A, T224A, T230A.
Identifiers: ClinVar variation 1694982 (VCV001694982.31), dbSNP rs2105684098, ClinGen allele CA349282967.